The following is an entry in ClinVar:

ClinVar aggregate classification (germline): Uncertain significance (1 of 4 stars; one submission).

Allele frequency attached by ClinVar (database versions not stated): gnomAD exomes below 0.00001.
gnomAD v4.1: 1 of 1,612,998 alleles (0.000062%); highest among the groups gnomAD compares: Non-Finnish European, 0.000085%; no homozygotes.

Submission:

Labcorp Genetics (formerly Invitae), Labcorp
Classification: Uncertain significance. Last evaluated: 2024-05-23. Review status: criteria provided, single submitter. Criteria: Invitae Variant Classification Sherloc (09022015). Collection method: clinical testing. Allele origin: germline.
Comment: This sequence change replaces glycine, which is neutral and non-polar, with glutamic acid, which is acidic and polar, at codon 238 of the KMT2A protein (p.Gly238Glu). This variant is present in population databases (no rsID available, gnomAD 0.0009%). This variant has not been reported in the literature in individuals affected with KMT2A-related conditions. ClinVar contains an entry for this variant (Variation ID: 1501115). Advanced modeling of protein sequence and biophysical properties (such as structural, functional, and spatial information, amino acid conservation, physicochemical variation, residue mobility, and thermodynamic stability) performed at Invitae indicates that this missense variant is not expected to disrupt KMT2A protein function with a negative predictive value of 95%. In summary, the available evidence is currently insufficient to determine the role of this variant in disease. Therefore, it has been classified as a Variant of Uncertain Significance.

NM_001197104.2(KMT2A):c.713G>A (p.Gly238Glu)

Gene: KMT2A (lysine methyltransferase 2A; plus strand). Cytogenetic location: 11q23.3.
Variant type: single nucleotide variant.
Coding change: c.713G>A on transcript NM_001197104.2 (MANE Select); coding-DNA position 713, G replaced by A.
Protein change: p.Gly238Glu; replaces glycine 238 with glutamic acid.
Molecular consequence: missense variant.
Genome position (GRCh38, 1-based): chr11:118,471,872, G>A. VCF-style: chr11-118471872-G-A. GRCh37 (hg19) VCF-style: chr11-118342587-G-A.
Other names: c.713G>A, p.Gly238Glu (NM_005933.4); short protein forms G238E.
Identifiers: ClinVar variation 1501115 (VCV001501115.8), dbSNP rs1555035610, ClinGen allele CA382807549.